The following is an entry in ClinVar:

ClinVar aggregate classification (germline): Uncertain significance (1 of 4 stars; one submission).

Conditions:
Cardiovascular phenotype. Identifiers: MedGen CN230736.

Allele frequency attached by ClinVar (database versions not stated): gnomAD exomes below 0.00001.
gnomAD v4.1: 3 of 1,612,660 alleles (0.00019%); highest among the groups gnomAD compares: Admixed American, 0.0017%; no homozygotes.

Submission:

Ambry Genetics
Classification: Uncertain significance for Cardiovascular phenotype. Last evaluated: 2019-02-19. Review status: criteria provided, single submitter. Criteria: Ambry Variant Classification Scheme 2023. Collection method: clinical testing. Allele origin: germline.
Comment: The c.2280+5T>C intronic variant results from a T to C substitution 5 nucleotides after coding exon 14 in the SCN10A gene. This nucleotide position is not well conserved in available vertebrate species. Using the BDGP and ESEfinder splice site prediction tools, this alteration is not predicted to have any significant effect on this splice donor site; however, direct evidence is unavailable. Since supporting evidence is limited at this time, the clinical significance of this alteration remains unclear.

NM_006514.4(SCN10A):c.2280+5T>C

Gene: SCN10A (sodium voltage-gated channel alpha subunit 10; minus strand). Cytogenetic location: 3p22.2.
Variant type: single nucleotide variant.
Coding change: c.2280+5T>C on transcript NM_006514.4 (MANE Select); 5 bases into the intron after coding-DNA position 2280, T replaced by C.
Molecular consequence: intron variant.
Genome position (GRCh38, 1-based): chr3:38,739,510, A>G on the plus strand (T>C on the coding strand, the complement: SCN10A is on the minus strand). VCF-style: chr3-38739510-A-G. GRCh37 (hg19) VCF-style: chr3-38781001-A-G.
Other names: c.1986+5T>C (NM_001293307.2); c.2280+5T>C (NM_001293306.2).
Identifiers: ClinVar variation 1788928 (VCV001788928.2), dbSNP rs2470724256, ClinGen allele CA2518872533.
Genomic context (GRCh38, chr3:38,739,510, plus strand): 5'-AGAGCACAGTGTCTTCCCTGAATCTGGGTGGGAGTTTCCCCAAGCCATCAAGAGAAAAAC[A>G]TTACCAAGCGGAAGCTCCGCAGCACAGACAGGCTTCCCTTCTTGGCCACGCCCAGCTCTA-3'